The following is an entry in ClinVar:

ClinVar aggregate classification (germline): Uncertain significance (1 of 4 stars; one submission).

Conditions:
Short-rib thoracic dysplasia 10 with or without polydactyly (SRTD10). Identifiers: Orphanet 474, MedGen C3810175, MONDO:0014284, OMIM 615630.
Retinitis pigmentosa 71 (RP71). Identifiers: Orphanet 791, MedGen C4225342, MONDO:0014618, OMIM 616394.

Submission:

Labcorp Genetics (formerly Invitae), Labcorp
Classification: Uncertain significance for Retinitis pigmentosa 71; Short-rib thoracic dysplasia 10 with or without polydactyly. Last evaluated: 2025-06-02. Review status: criteria provided, single submitter. Criteria: Invitae Variant Classification Sherloc (09022015). Collection method: clinical testing. Allele origin: germline.
Comment: This sequence change replaces methionine, which is neutral and non-polar, with valine, which is neutral and non-polar, at codon 1534 of the IFT172 protein (p.Met1534Val). This variant is not present in population databases (gnomAD no frequency). This variant has not been reported in the literature in individuals affected with IFT172-related conditions. Invitae Evidence Modeling of protein sequence and biophysical properties (such as structural, functional, and spatial information, amino acid conservation, physicochemical variation, residue mobility, and thermodynamic stability) has been performed for this missense variant. However, the output from this modeling did not meet the statistical confidence thresholds required to predict the impact of this variant on IFT172 protein function. In summary, the available evidence is currently insufficient to determine the role of this variant in disease. Therefore, it has been classified as a Variant of Uncertain Significance.

NM_015662.3(IFT172):c.4600A>G (p.Met1534Val)

Gene: IFT172 (intraflagellar transport 172; minus strand). Cytogenetic location: 2p23.3.
Variant type: single nucleotide variant.
Coding change: c.4600A>G on transcript NM_015662.3 (MANE Select); coding-DNA position 4600, A replaced by G.
Protein change: p.Met1534Val; replaces methionine 1534 with valine.
Molecular consequence: missense variant.
Genome position (GRCh38, 1-based): chr2:27,447,574, T>C on the plus strand (A>G on the coding strand, the complement: IFT172 is on the minus strand). VCF-style: chr2-27447574-T-C. GRCh37 (hg19) VCF-style: chr2-27670441-T-C.
Other names: c.4534A>G, p.Met1512Val (NM_001410739.1); short protein forms M1534V, M1512V.
Identifiers: ClinVar variation 4793509 (VCV004793509.1).